The following is an entry in ClinVar:

NM_006258.4(PRKG1):c.211G>A (p.Glu71Lys)

Gene: PRKG1 (protein kinase cGMP-dependent 1; plus strand). Cytogenetic location: 10q11.23.
Variant type: single nucleotide variant.
Coding change: c.211G>A on transcript NM_006258.4 (MANE Select); coding-DNA position 211, G replaced by A.
Protein change: p.Glu71Lys; replaces glutamic acid 71 with lysine.
Molecular consequence: missense variant. On other transcripts: intron variant (1).
Genome position (GRCh38, 1-based): chr10:51,074,801, G>A. VCF-style: chr10-51074801-G-A. GRCh37 (hg19) VCF-style: chr10-52834561-G-A.
Other names: c.211G>A, p.Glu71Lys (NM_001374782.1); c.267-78363G>A (NM_001098512.3); short protein forms E71K.
Identifiers: ClinVar variation 1315307 (VCV001315307.2), dbSNP rs2132804640, ClinGen allele CA376827039.

ClinVar aggregate classification (germline): Uncertain significance (1 of 4 stars; one submission).

Allele frequency attached by ClinVar (database versions not stated): gnomAD exomes below 0.00001.
gnomAD v4.1: 1 of 1,613,858 alleles (0.000062%); highest among the groups gnomAD compares: Non-Finnish European, 0.000085%; no homozygotes.

Submission:

GeneDx
Classification: Uncertain significance. Last evaluated: 2020-02-05. Review status: criteria provided, single submitter. Criteria: GeneDx Variant Classification Process June 2021. Collection method: clinical testing. Allele origin: germline. Affected: yes.
Comment: Has not been previously published as pathogenic or benign to our knowledge; Not observed in large population cohorts (Lek et al., 2016); In silico analysis supports that this missense variant does not alter protein structure/function